The following is an entry in ClinVar:

ClinVar aggregate classification (germline): Uncertain significance. Review status: criteria provided, multiple submitters, no conflicts (2 of 4 stars). 4 submissions from 4 submitters: Uncertain significance (4). Last evaluated 2025-06-10.

Conditions:
Arrhythmogenic cardiomyopathy with wooly hair and keratoderma. Also called: Arrhythmogenic cardiomyopathy with woolly hair and keratoderma; PALMOPLANTAR KERATODERMA WITH LEFT VENTRICULAR CARDIOMYOPATHY AND WOOLLY HAIR; Dilated cardiomyopathy with woolly hair and keratoderma; Carvajal syndrome. Identifiers: Orphanet 65282, MedGen C1854063, MONDO:0011581, OMIM 605676.
Arrhythmogenic right ventricular dysplasia 8 (ARVD8). Also called: Arrhythmogenic Right Ventricular Dysplasia/Cardiomyopathy 8; ARRHYTHMOGENIC RIGHT VENTRICULAR DYSPLASIA, FAMILIAL, 8; ARRHYTHMOGENIC RIGHT VENTRICULAR CARDIOMYOPATHY 8. Identifiers: MedGen C1843896, MONDO:0011831, OMIM 607450.
Cardiomyopathy (CMYO). Also called: Cardiomyopathies. Identifiers: Orphanet 167848, MedGen C0878544, MONDO:0004994, HP:0001638. Inheritance: Various modes of inheritance.
Cardiovascular phenotype. Identifiers: MedGen CN230736.

Allele frequency attached by ClinVar (database versions not stated): gnomAD exomes below 0.00001; ExAC 0.00001; gnomAD 0.00001; 1000 Genomes Project 30x 0.00016; 1000 Genomes Project 0.00020.
gnomAD v4.1: 5 of 1,614,090 alleles (0.00031%); highest among the groups gnomAD compares: Non-Finnish European, 0.00042%; no homozygotes.

Submissions (4):

Color Diagnostics, LLC DBA Color Health
Classification: Uncertain significance for Cardiomyopathy. Last evaluated: 2025-06-10. Review status: criteria provided, single submitter. Criteria: ACMG Guidelines, 2015. Collection method: clinical testing. Allele origin: germline.
Comment: This missense variant replaces leucine with phenylalanine at codon 2461 of the DSP protein. Computational prediction is inconclusive regarding the impact of this variant on protein structure and function. To our knowledge, functional studies have not been reported for this variant. This variant has not been reported in individuals affected with DSP-related disorders in the literature. This variant has been identified in 1/251234 chromosomes in the general population by the Genome Aggregation Database (gnomAD). The available evidence is insufficient to determine the role of this variant in disease conclusively. Therefore, this variant is classified as a Variant of Uncertain Significance.

All of Us Research Program, National Institutes of Health
Classification: Uncertain significance for Arrhythmogenic cardiomyopathy with wooly hair and keratoderma. Last evaluated: 2023-08-15. Review status: criteria provided, single submitter. Criteria: ACMG Guidelines, 2015. Collection method: clinical testing. Allele origin: germline. Inheritance: Autosomal dominant inheritance. Observed: 1 variant allele, 1 heterozygote.
Comment: This study involves interpretation of variants in research participants for the purpose of population health screening. Participant phenotype was not available at the time of variant classification. Additional details can be found in publication PMID: 35346344, PMCID: PMC8962531

Labcorp Genetics (formerly Invitae), Labcorp
Classification: Uncertain significance for Arrhythmogenic cardiomyopathy with wooly hair and keratoderma; Arrhythmogenic right ventricular dysplasia 8. Last evaluated: 2022-04-07. Review status: criteria provided, single submitter. Criteria: Invitae Variant Classification Sherloc (09022015). Collection method: clinical testing. Allele origin: germline.
Comment: This sequence change replaces leucine, which is neutral and non-polar, with phenylalanine, which is neutral and non-polar, at codon 2461 of the DSP protein (p.Leu2461Phe). This variant is present in population databases (rs201863784, gnomAD 0.0009%). This variant has not been reported in the literature in individuals affected with DSP-related conditions. ClinVar contains an entry for this variant (Variation ID: 944461). Algorithms developed to predict the effect of missense changes on protein structure and function are either unavailable or do not agree on the potential impact of this missense change (SIFT: "Deleterious"; PolyPhen-2: "Probably Damaging"; Align-GVGD: "Class C0"). In summary, the available evidence is currently insufficient to determine the role of this variant in disease. Therefore, it has been classified as a Variant of Uncertain Significance.

Ambry Genetics
Classification: Uncertain significance for Cardiovascular phenotype. Last evaluated: 2019-08-13. Review status: criteria provided, single submitter. Criteria: Ambry Variant Classification Scheme 2023. Collection method: clinical testing. Allele origin: germline.
Comment: The p.L2461F variant (also known as c.7381C>T), located in coding exon 24 of the DSP gene, results from a C to T substitution at nucleotide position 7381. The leucine at codon 2461 is replaced by phenylalanine, an amino acid with highly similar properties. This amino acid position is highly conserved in available vertebrate species. In addition, the in silico prediction for this alteration is inconclusive. Since supporting evidence is limited at this time, the clinical significance of this alteration remains unclear.

NM_004415.4(DSP):c.7381C>T (p.Leu2461Phe)

Gene: DSP (desmoplakin; plus strand). Cytogenetic location: 6p24.3.
Variant type: single nucleotide variant.
Coding change: c.7381C>T on transcript NM_004415.4 (MANE Select); coding-DNA position 7381, C replaced by T.
Protein change: p.Leu2461Phe; replaces leucine 2461 with phenylalanine.
Molecular consequence: missense variant.
Genome position (GRCh38, 1-based): chr6:7,584,643, C>T. VCF-style: chr6-7584643-C-T. GRCh37 (hg19) VCF-style: chr6-7584876-C-T.
Other names: c.5584C>T, p.Leu1862Phe (NM_001008844.3); c.6052C>T, p.Leu2018Phe (NM_001319034.2); short protein forms L1862F, L2461F, L2018F.
Identifiers: ClinVar variation 944461 (VCV000944461.9), dbSNP rs201863784, ClinGen allele CA049777.
Genomic context (GRCh38, chr6:7,584,643, plus strand): 5'-CTCTGTCTTCTGCCTCTGAAAGAAAAGAAGAAACAGGTGCAGACATCACAAAAGAATACC[C>T]TCAGGAAGCGTAGAGTGGTCATAGTTGACCCAGAAACCAATAAAGAAATGTCTGTTCAGG-3'
Protein context (NP_004406.2, residues 2451-2471): KQVQTSQKNT[Leu2461Phe]RKRRVVIVDP